The following is an entry in ClinVar:

ClinVar aggregate classification (germline): Likely benign (1 of 4 stars; one submission).

Allele frequency attached by ClinVar (database versions not stated): 1000 Genomes Project 0.00140; 1000 Genomes Project 30x 0.00141; ExAC 0.00158; TOPMed 0.00228; ESP Exome Variant Server 0.00238.
gnomAD v4.1: 5,330 of 1,612,758 alleles (0.33%); highest among the groups gnomAD compares: Non-Finnish European, 0.41%; 21 homozygotes.

Submission:

CeGaT Center for Human Genetics Tuebingen
Classification: Likely benign. Last evaluated: 2023-01-01. Review status: criteria provided, single submitter. Criteria: CeGaT Center For Human Genetics Tuebingen Variant Classification Criteria Version 2. Collection method: clinical testing. Allele origin: germline. Affected: yes. Observed: 1 variant allele.
Comment: EXOSC10: BP4, BS2

NM_001001998.3(EXOSC10):c.2143A>G (p.Thr715Ala)

Gene: EXOSC10 (exosome component 10; minus strand). Cytogenetic location: 1p36.22.
Variant type: single nucleotide variant.
Coding change: c.2143A>G on transcript NM_001001998.3 (MANE Select); coding-DNA position 2143, A replaced by G.
Protein change: p.Thr715Ala; replaces threonine 715 with alanine.
Molecular consequence: missense variant. On other transcripts: intron variant (1).
Genome position (GRCh38, 1-based): chr1:11,073,948, T>C on the plus strand (A>G on the coding strand, the complement: EXOSC10 is on the minus strand). VCF-style: chr1-11073948-T-C. GRCh37 (hg19) VCF-style: chr1-11134005-T-C.
Other names: c.2082+283A>G (NM_002685.4); short protein forms T715A.
Identifiers: ClinVar variation 2638218 (VCV002638218.24), dbSNP rs115976717, ClinGen allele CA587875.
Genomic context (GRCh38, chr1:11,073,948, plus strand): 5'-AAAAAAAAAAAAAGTCTCTTTTAGAACAGGTGACAAGTCCACTTACTTCATAGATTTTGG[T>C]TGATGGATCGAACTTCGCTGCCTGAGAGACGGGAGCACGGTGTCCCAGTGAGGGCAGAAA-3'
Protein context (NP_001001998.1, residues 705-725): VSQAAKFDPS[Thr715Ala]KIYEISNRWK